The following is an entry in ClinVar:

NM_025099.6(CTC1):c.1998A>C (p.Arg666Ser)

Gene: CTC1 (CST telomere replication complex component 1; minus strand). Cytogenetic location: 17p13.1.
Variant type: single nucleotide variant.
Coding change: c.1998A>C on transcript NM_025099.6 (MANE Select); coding-DNA position 1998, A replaced by C.
Protein change: p.Arg666Ser; replaces arginine 666 with serine.
Molecular consequence: missense variant. On other transcripts: non-coding transcript variant (1).
Genome position (GRCh38, 1-based): chr17:8,232,423, T>G on the plus strand (A>C on the coding strand, the complement: CTC1 is on the minus strand). VCF-style: chr17-8232423-T-G. GRCh37 (hg19) VCF-style: chr17-8135741-T-G.
Other names: short protein forms R666S.
Identifiers: ClinVar variation 1502636 (VCV001502636.7), dbSNP rs757849997, ClinGen allele CA8372204.

ClinVar aggregate classification (germline): Uncertain significance. Review status: criteria provided, multiple submitters, no conflicts (2 of 4 stars). 2 submissions from 2 submitters: Uncertain significance (2). Last evaluated 2024-04-11.

Conditions:
Dyskeratosis congenita. Identifiers: Orphanet 1775, MedGen C0265965, MONDO:0015780.
Cerebroretinal microangiopathy with calcifications and cysts 1 (CRMCC1). Identifiers: Orphanet 313838, MedGen C4552029, MONDO:0024564, OMIM 612199.

Allele frequency attached by ClinVar (database versions not stated): gnomAD exomes below 0.00001; ExAC 0.00001.
gnomAD v4.1: 1 of 1,614,108 alleles (0.000062%); highest among the groups gnomAD compares: Admixed American, 0.0017%; no homozygotes.

Submissions (2):

Fulgent Genetics
Classification: Uncertain significance for Cerebroretinal microangiopathy with calcifications and cysts 1. Last evaluated: 2024-04-11. Review status: criteria provided, single submitter. Criteria: ACMG Guidelines, 2015. Collection method: clinical testing. Allele origin: germline.

Labcorp Genetics (formerly Invitae), Labcorp
Classification: Uncertain significance for Dyskeratosis congenita. Last evaluated: 2022-12-31. Review status: criteria provided, single submitter. Criteria: Invitae Variant Classification Sherloc (09022015). Collection method: clinical testing. Allele origin: germline.
Comment: In summary, the available evidence is currently insufficient to determine the role of this variant in disease. Therefore, it has been classified as a Variant of Uncertain Significance. Advanced modeling of protein sequence and biophysical properties (such as structural, functional, and spatial information, amino acid conservation, physicochemical variation, residue mobility, and thermodynamic stability) performed at Invitae indicates that this missense variant is not expected to disrupt CTC1 protein function. ClinVar contains an entry for this variant (Variation ID: 1502636). This variant has not been reported in the literature in individuals affected with CTC1-related conditions. This variant is present in population databases (rs757849997, gnomAD 0.003%). This sequence change replaces arginine, which is basic and polar, with serine, which is neutral and polar, at codon 666 of the CTC1 protein (p.Arg666Ser).